The following is an entry in ClinVar:

NM_000193.4(SHH):c.1102G>A (p.Glu368Lys)

Gene: SHH (sonic hedgehog signaling molecule; minus strand). Cytogenetic location: 7q36.3.
Variant type: single nucleotide variant.
Coding change: c.1102G>A on transcript NM_000193.4 (MANE Select); coding-DNA position 1102, G replaced by A.
Protein change: p.Glu368Lys; replaces glutamic acid 368 with lysine.
Molecular consequence: missense variant. On other transcripts: intron variant (1).
Genome position (GRCh38, 1-based): chr7:155,803,187, C>T on the plus strand (G>A on the coding strand, the complement: SHH is on the minus strand). VCF-style: chr7-155803187-C-T. GRCh37 (hg19) VCF-style: chr7-155595881-C-T.
Other names: c.302-2942G>A (NM_001310462.2); c.1102G>A (NM_000193.3); short protein forms E368K.
Identifiers: ClinVar variation 196231 (VCV000196231.8), dbSNP rs753315599, ClinGen allele CA243122.

ClinVar aggregate classification (germline): Uncertain significance. Review status: criteria provided, multiple submitters, no conflicts (2 of 4 stars). 4 submissions from 4 submitters: Uncertain significance (4). Last evaluated 2026-03-03.

Conditions:
SHH-related disorder. Also called: SHH-related condition; SHH-related disorders.
Inborn genetic diseases. Identifiers: MedGen C0950123, MeSH D030342.

Allele frequency attached by ClinVar (database versions not stated): gnomAD exomes 0.00002; TOPMed 0.00002; ExAC below 0.00001; gnomAD 0.00002.

Submissions (4):

PreventionGenetics, part of Exact Sciences
Classification: Uncertain significance for SHH-related condition. Last evaluated: 2026-03-03. Review status: criteria provided, single submitter. Criteria: ACMG Guidelines, 2015. Collection method: clinical testing. Allele origin: germline.
Comment: The SHH c.1102G>A variant is predicted to result in the amino acid substitution p.Glu368Lys. To our knowledge, this variant has not been reported in the literature. This variant is reported in 0.0057% of alleles in individuals of European (Non-Finnish) descent in gnomAD. At this time, the clinical significance of this variant is uncertain due to the absence of conclusive functional and genetic evidence.

Ambry Genetics
Classification: Uncertain significance for Inborn genetic diseases. Last evaluated: 2025-05-26. Review status: criteria provided, single submitter. Criteria: Ambry Variant Classification Scheme 2023. Collection method: clinical testing. Allele origin: germline.

GeneDx
Classification: Uncertain significance. Last evaluated: 2017-03-06. Review status: criteria provided, single submitter. Criteria: GeneDx Variant Classification (06012015). Collection method: clinical testing. Allele origin: germline. Affected: yes.
Comment: The E368K variant has been published as a somatic variant in lung cancer (Kan et al., 2010), but has not been published in association with holoprosencephaly to our knowledge. The variant was not observed in approximately 5,200 individuals of European and African American ancestry in the NHLBI Exome Sequencing Project, indicating it is not a common benign variant in these populations. E368K is a non-conservative amino acid substitution, which is likely to impact secondary protein structure as these residues differ in polarity, charge, size and/or other properties. This substitution occurs at a position that is conserved in mammals, and in silico analysis predicts this variant is probably damaging to the protein structure/function. Therefore, based on the currently available information, it is unclear whether this variant is a pathogenic variant or a rare benign variant.

Eurofins Ntd Llc (ga)
Classification: Uncertain significance. Last evaluated: 2014-09-20. Review status: criteria provided, single submitter. Criteria: EGL Classification Definitions 2015. Collection method: clinical testing. Allele origin: germline. Observed: 2 variant alleles, 2 heterozygotes.